The following is an entry in ClinVar:

ClinVar aggregate classification (germline): Uncertain significance (1 of 4 stars; one submission).

Submission:

GeneDx
Classification: Uncertain significance. Last evaluated: 2022-03-01. Review status: criteria provided, single submitter. Criteria: GeneDx Variant Classification Process June 2021. Collection method: clinical testing. Allele origin: germline. Affected: yes.
Comment: Has not been previously published as pathogenic or benign to our knowledge; Not observed at significant frequency in large population cohorts (gnomAD); In silico analysis supports that this missense variant has a deleterious effect on protein structure/function

NM_000891.3(KCNJ2):c.887T>C (p.Val296Ala)

Gene: KCNJ2 (potassium inwardly rectifying channel subfamily J member 2; plus strand). Cytogenetic location: 17q24.3.
Variant type: single nucleotide variant.
Coding change: c.887T>C on transcript NM_000891.3 (MANE Select); coding-DNA position 887, T replaced by C.
Protein change: p.Val296Ala; replaces valine 296 with alanine.
Molecular consequence: missense variant.
Genome position (GRCh38, 1-based): chr17:70,175,926, T>C. VCF-style: chr17-70175926-T-C. GRCh37 (hg19) VCF-style: chr17-68172067-T-C.
Other names: short protein forms V296A.
Identifiers: ClinVar variation 1704086 (VCV001704086.2), dbSNP rs2509921508, ClinGen allele CA400862548.
Genomic context (GRCh38, chr17:70,175,926, plus strand): 5'-ACAGTCCTTTATATGATTTGAGTAAACAGGACATTGACAACGCAGACTTTGAAATCGTGG[T>C]CATACTGGAAGGCATGGTGGAAGCCACTGCCATGACGACACAGTGCCGTAGCTCTTATCT-3'
Protein context (NP_000882.1, residues 286-306): DIDNADFEIV[Val296Ala]ILEGMVEATA